The following is an entry in ClinVar:

ClinVar aggregate classification (germline): Uncertain significance. Review status: criteria provided, multiple submitters, no conflicts (2 of 4 stars). 2 submissions from 2 submitters: Uncertain significance (2). Last evaluated 2022-02-14.

Conditions:
Landau-Kleffner syndrome (FESD). Also called: APHASIA, ACQUIRED, WITH EPILEPSY; EPILEPSY, FOCAL, WITH SPEECH DISORDER AND WITH OR WITHOUT MENTAL RETARDATION. Identifiers: Orphanet 1945, Orphanet 725, Orphanet 98818, MedGen C0282512, MONDO:0009509, OMIM 245570.

Allele frequency attached by ClinVar (database versions not stated): TOPMed 0.00001; gnomAD exomes below 0.00001; ExAC 0.00001.
gnomAD v4.1: 7 of 1,614,082 alleles (0.00043%); highest among the groups gnomAD compares: South Asian, 0.0011%; no homozygotes.

Submissions (2):

GeneDx
Classification: Uncertain significance. Last evaluated: 2022-02-14. Review status: criteria provided, single submitter. Criteria: GeneDx Variant Classification Process June 2021. Collection method: clinical testing. Allele origin: germline. Affected: yes.
Comment: Not observed at significant frequency in large population cohorts (gnomAD); In silico analysis supports that this missense variant does not alter protein structure/function; Has not been previously published as pathogenic or benign to our knowledge

Illumina Laboratory Services, Illumina
Classification: Uncertain significance for Landau-Kleffner syndrome. Last evaluated: 2018-01-12. Review status: criteria provided, single submitter. Criteria: ICSL Variant Classification Criteria 13 December 2019. Collection method: clinical testing. Allele origin: germline.

NM_001134407.3(GRIN2A):c.2864T>C (p.Ile955Thr)

Gene: GRIN2A (glutamate ionotropic receptor NMDA type subunit 2A; minus strand). Cytogenetic location: 16p13.2.
Variant type: single nucleotide variant.
Coding change: c.2864T>C on transcript NM_001134407.3 (MANE Select); coding-DNA position 2864, T replaced by C.
Protein change: p.Ile955Thr; replaces isoleucine 955 with threonine.
Molecular consequence: missense variant.
Genome position (GRCh38, 1-based): chr16:9,764,680, A>G on the plus strand (T>C on the coding strand, the complement: GRIN2A is on the minus strand). VCF-style: chr16-9764680-A-G. GRCh37 (hg19) VCF-style: chr16-9858537-A-G.
Other names: c.2864T>C, p.Ile955Thr (NM_000833.5, NM_001134408.2); short protein forms I955T.
Identifiers: ClinVar variation 888508 (VCV000888508.5), dbSNP rs778404336, ClinGen allele CA7896411.